The following is an entry in ClinVar:

ClinVar aggregate classification (germline): Benign/Likely benign. Review status: criteria provided, multiple submitters, no conflicts (2 of 4 stars). 8 submissions from 7 submitters: Benign (4); Likely benign (4). Last evaluated 2026-02-01.

Conditions:
Endocardial fibroelastosis (EFE). Identifiers: Orphanet 2022, MedGen C0014117, MONDO:0009169, OMIM 226000, HP:0001706.
3-Methylglutaconic aciduria type 2 (BTHS). Also called: CARDIOSKELETAL MYOPATHY WITH NEUTROPENIA AND ABNORMAL MITOCHONDRIA; Barth syndrome. Identifiers: Orphanet 111, MedGen C0574083, MONDO:0010543, OMIM 302060.
Cardiovascular phenotype. Identifiers: MedGen CN230736.
Cardiomyopathy (CMYO). Also called: Cardiomyopathies. Identifiers: Orphanet 167848, MedGen C0878544, MONDO:0004994, HP:0001638. Inheritance: Various modes of inheritance.
Primary dilated cardiomyopathy (DCM). Also called: Dilated Cardiomyopathy. Identifiers: Orphanet 217604, MedGen C0007193, MeSH D002311, MONDO:0005021, HP:0001644. Inheritance: Various modes of inheritance.

Allele frequency attached by ClinVar (database versions not stated): gnomAD 0.00001 and 0.00016; TOPMed 0.00002; gnomAD exomes 0.00038 and 0.00068; 1000 Genomes Project 0.00053; 1000 Genomes Project 30x 0.00062; ExAC 0.00089.
gnomAD v4.1: 436 of 1,209,680 alleles (0.036%); highest among the groups gnomAD compares: South Asian, 0.71%; 1 homozygote.

Submissions (8):

Labcorp Genetics (formerly Invitae), Labcorp
Classification: Benign for 3-Methylglutaconic aciduria type 2. Last evaluated: 2026-02-01. Review status: criteria provided, single submitter. Criteria: Invitae Variant Classification Sherloc (09022015). Collection method: clinical testing. Allele origin: germline.

Blueprint Genetics
Classification: Benign. Last evaluated: 2024-03-20. Review status: criteria provided, single submitter. Criteria: ACMG Guidelines, 2015. Collection method: clinical testing. Allele origin: germline.

Women's Health and Genetics/Laboratory Corporation of America, LabCorp
Classification: Likely benign. Last evaluated: 2022-09-17. Review status: criteria provided, single submitter. Criteria: LabCorp Variant Classification Summary - May 2015. Collection method: clinical testing. Allele origin: germline.

GeneDx
Classification: Benign. Last evaluated: 2020-10-19. Review status: criteria provided, single submitter. Criteria: GeneDx Variant Classification Process June 2021. Collection method: clinical testing. Allele origin: germline. Affected: yes.

Ambry Genetics
Classification: Likely benign for Cardiovascular phenotype. Last evaluated: 2020-03-26. Review status: criteria provided, single submitter. Criteria: Ambry Variant Classification Scheme 2023. Collection method: clinical testing. Allele origin: germline.

Illumina Laboratory Services, Illumina
Classification: Likely benign for Primary dilated cardiomyopathy. Last evaluated: 2018-01-12. Review status: criteria provided, single submitter. Criteria: ICSL Variant Classification Criteria 13 December 2019. Collection method: clinical testing. Allele origin: germline.
Comment: This variant was observed in the ICSL laboratory as part of a predisposition screen in an ostensibly healthy population. It had not been previously curated by ICSL or reported in the Human Gene Mutation Database (HGMD: prior to June 1st, 2018), and was therefore a candidate for classification through an automated scoring system. Utilizing variant allele frequency, disease prevalence and penetrance estimates, and inheritance mode, an automated score was calculated to assess if this variant is too frequent to cause the disease. Based on the score and internal cut-off values, a variant classified as likely benign is not then subjected to further curation. The score for this variant resulted in a classification of likely benign for this disease.

Illumina Laboratory Services, Illumina
Classification: Benign for Endocardial fibroelastosis. Last evaluated: 2018-01-12. Review status: criteria provided, single submitter. Criteria: ICSL Variant Classification Criteria 13 December 2019. Collection method: clinical testing. Allele origin: germline.
Comment: This variant was observed in the ICSL laboratory as part of a predisposition screen in an ostensibly healthy population. It had not been previously curated by ICSL or reported in the Human Gene Mutation Database (HGMD: prior to June 1st, 2018), and was therefore a candidate for classification through an automated scoring system. Utilizing variant allele frequency, disease prevalence and penetrance estimates, and inheritance mode, an automated score was calculated to assess if this variant is too frequent to cause the disease. Based on the score and internal cut-off values, a variant classified as benign is not then subjected to further curation. The score for this variant resulted in a classification of benign for this disease.

CHEO Genetics Diagnostic Laboratory, Children's Hospital of Eastern Ontario
Classification: Likely benign for Cardiomyopathy. Last evaluated: 2015-12-18. Review status: criteria provided, single submitter. Criteria: ACMG Guidelines, 2015. Collection method: clinical testing. Allele origin: germline. Study: Canadian Open Genetics Repository.

NM_000116.5(TAFAZZIN):c.675G>A (p.Pro225=)

Gene: TAFAZZIN (tafazzin, phospholipid-lysophospholipid transacylase; plus strand). Cytogenetic location: Xq28.
Variant type: single nucleotide variant.
Coding change: c.675G>A on transcript NM_000116.5 (MANE Select); coding-DNA position 675, G replaced by A.
Protein change: p.Pro225=; no amino-acid change (proline 225 retained).
Molecular consequence: synonymous variant. On other transcripts: non-coding transcript variant (1).
Genome position (GRCh38, 1-based): chrX:154,420,240, G>A. VCF-style: chrX-154420240-G-A. GRCh37 (hg19) VCF-style: chrX-153648579-G-A.
Other names: c.687G>A, p.Pro229= (NM_001303465.2); c.585G>A, p.Pro195= (NM_181311.4); c.633G>A, p.Pro211= (NM_181312.4); c.543G>A, p.Pro181= (NM_181313.4).
Identifiers: ClinVar variation 368088 (VCV000368088.23), dbSNP rs201046790, ClinGen allele CA10562408.